The following is an entry in ClinVar:

NM_002972.4(SBF1):c.2495G>A (p.Arg832His)

Gene: SBF1 (SET binding factor 1; minus strand). Cytogenetic location: 22q13.33.
Variant type: single nucleotide variant.
Coding change: c.2495G>A on transcript NM_002972.4 (MANE Select); coding-DNA position 2495, G replaced by A.
Protein change: p.Arg832His; replaces arginine 832 with histidine.
Molecular consequence: missense variant.
Genome position (GRCh38, 1-based): chr22:50,462,021, C>T on the plus strand (G>A on the coding strand, the complement: SBF1 is on the minus strand). VCF-style: chr22-50462021-C-T. GRCh37 (hg19) VCF-style: chr22-50900450-C-T.
Other names: c.2498G>A, p.Arg833His (NM_001365819.1, NM_001410794.1); c.2495G>A, p.Arg832His (NM_001410795.1); short protein forms R832H, R833H.
Identifiers: ClinVar variation 3316243 (VCV003316243.2).

ClinVar aggregate classification (germline): Uncertain significance. Review status: criteria provided, multiple submitters, no conflicts (2 of 4 stars). 2 submissions from 2 submitters: Uncertain significance (2). Last evaluated 2025-05-22.

gnomAD v4.1: 32 of 1,614,102 alleles (0.002%); highest among the groups gnomAD compares: Non-Finnish European, 0.0025%; no homozygotes.

Submissions (2):

GeneDx
Classification: Uncertain significance. Last evaluated: 2025-05-22. Review status: criteria provided, single submitter. Criteria: GeneDx Variant Classification Process June 2021. Collection method: clinical testing. Allele origin: germline. Affected: yes.
Comment: Not observed at significant frequency in large population cohorts (gnomAD); In silico analysis supports that this missense variant has a deleterious effect on protein structure/function; Has not been previously published as pathogenic or benign to our knowledge

Ambry Genetics
Classification: Uncertain significance. Last evaluated: 2024-06-10. Review status: criteria provided, single submitter. Criteria: Ambry Variant Classification Scheme 2023. Collection method: clinical testing. Allele origin: germline.